The following is an entry in ClinVar:

NM_000138.5(FBN1):c.8199A>T (p.Thr2733=)

Gene: FBN1 (fibrillin 1; minus strand). Cytogenetic location: 15q21.1.
Variant type: single nucleotide variant.
Coding change: c.8199A>T on transcript NM_000138.5 (MANE Select); coding-DNA position 8199, A replaced by T.
Protein change: p.Thr2733=; no amino-acid change (threonine 2733 retained).
Molecular consequence: synonymous variant.
Genome position (GRCh38, 1-based): chr15:48,412,596, T>A on the plus strand (A>T on the coding strand, the complement: FBN1 is on the minus strand). VCF-style: chr15-48412596-T-A. GRCh37 (hg19) VCF-style: chr15-48704793-T-A.
Identifiers: ClinVar variation 921056 (VCV000921056.12), dbSNP rs1372383251, ClinGen allele CA490014527.

ClinVar aggregate classification (germline): Likely benign. Review status: criteria provided, multiple submitters, no conflicts (2 of 4 stars). 5 submissions from 5 submitters: Likely benign (5). Last evaluated 2025-12-01.

Conditions:
Marfan syndrome (MFS). Also called: Marfan syndrome, classic; Marfan syndrome type 1; Marfan's syndrome; FBN1-Related Marfan Syndrome; MARFAN SYNDROME, TYPE I. Identifiers: Orphanet 284963, Orphanet 558, MedGen C0024796, MONDO:0007947, OMIM 154700.
Familial thoracic aortic aneurysm and aortic dissection (TAAD). Also called: Thoracic aortic aneurysms and dissections. Identifiers: Orphanet 91387, MedGen C4707243, MONDO:0019625.

Allele frequency attached by ClinVar (database versions not stated): TOPMed below 0.00001; gnomAD 0.00001.
gnomAD v4.1: 2 of 1,614,098 alleles (0.00012%); highest among the groups gnomAD compares: African/African-American, 0.0013%; no homozygotes.

Submissions (5):

Ambry Genetics
Classification: Likely benign for Familial thoracic aortic aneurysm and aortic dissection. Last evaluated: 2025-12-01. Review status: criteria provided, single submitter. Criteria: Ambry Variant Classification Scheme 2023. Collection method: clinical testing. Allele origin: germline.

Labcorp Genetics (formerly Invitae), Labcorp
Classification: Likely benign for Marfan syndrome; Familial thoracic aortic aneurysm and aortic dissection. Last evaluated: 2025-06-02. Review status: criteria provided, single submitter. Criteria: Invitae Variant Classification Sherloc (09022015). Collection method: clinical testing. Allele origin: germline.

All of Us Research Program, National Institutes of Health
Classification: Likely benign for Marfan syndrome. Last evaluated: 2023-02-24. Review status: criteria provided, single submitter. Criteria: ACMG Guidelines, 2015. Collection method: clinical testing. Allele origin: germline. Inheritance: Autosomal dominant inheritance. Observed: 1 variant allele, 1 heterozygote.
Comment: This study involves interpretation of variants in research participants for the purpose of population health screening. Participant phenotype was not available at the time of variant classification. Additional details can be found in publication PMID: 35346344, PMCID: PMC8962531

Women's Health and Genetics/Laboratory Corporation of America, LabCorp
Classification: Likely benign. Last evaluated: 2019-11-16. Review status: criteria provided, single submitter. Criteria: LabCorp Variant Classification Summary - May 2015. Collection method: clinical testing. Allele origin: germline.

Color Diagnostics, LLC DBA Color Health
Classification: Likely benign for Familial thoracic aortic aneurysm and aortic dissection. Last evaluated: 2019-06-13. Review status: criteria provided, single submitter. Criteria: ACMG Guidelines, 2015. Collection method: clinical testing. Allele origin: germline.